The following is an entry in ClinVar:

ClinVar aggregate classification (germline): Likely pathogenic (1 of 4 stars; one submission).

Conditions:
Dilated cardiomyopathy 1G (CMD1G). Identifiers: Orphanet 154, MedGen C1858763, MONDO:0011400, OMIM 604145.
Autosomal recessive limb-girdle muscular dystrophy type 2J (LGMDR10). Also called: Limb-girdle muscular dystrophy, type 2J; MUSCULAR DYSTROPHY, LIMB-GIRDLE, AUTOSOMAL RECESSIVE 10. Identifiers: Orphanet 140922, MedGen C1837342, MONDO:0012127, OMIM 608807.

Submission:

Labcorp Genetics (formerly Invitae), Labcorp
Classification: Likely pathogenic for Dilated cardiomyopathy 1G; Autosomal recessive limb-girdle muscular dystrophy type 2J. Last evaluated: 2024-10-12. Review status: criteria provided, single submitter. Criteria: Invitae Variant Classification Sherloc (09022015). Collection method: clinical testing. Allele origin: germline.
Comment: This sequence change creates a premature translational stop signal (p.Val33579Cysfs*48) in the TTN gene. While this is not anticipated to result in nonsense mediated decay, it is expected to create a truncated TTN protein. This variant is not present in population databases (gnomAD no frequency). This variant has not been reported in the literature in individuals affected with TTN-related conditions. This variant disrupts the A and M bands of TTN (PMID: 25589632). Truncating variants in the A band are significantly overrepresented in patients affected with dilated cardiomyopathy (PMID: 25589632). Truncating variants in this region have also been reported in individuals affected with autosomal recessive centronuclear myopathy (PMID: 23975875). In summary, the currently available evidence indicates that the variant is pathogenic, but additional data are needed to prove that conclusively. Therefore, this variant has been classified as Likely Pathogenic.

Literature cited by the submitters: PubMed 25589632; PubMed 23975875.

NM_001267550.2(TTN):c.100735del (p.Val33579fs)

Genes: TTN (titin; minus strand), TTN-AS1 (TTN antisense RNA 1; plus strand). Cytogenetic location: 2q31.2.
Variant type: Deletion.
Coding change: c.100735del on transcript NM_001267550.2 (MANE Select); coding-DNA position 100735, one base deleted (G; older notation c.100735delG).
Protein change: p.Val33579fs; shifts the reading frame from valine 33579.
Molecular consequence: frameshift variant.
Genome position (GRCh38, 1-based): chr2:178,536,012, C deleted on the plus strand (G on the coding strand, the reverse complement: TTN is on the minus strand). VCF-style (leftmost placement, unchanged base first): chr2-178536011-AC-A. GRCh37 (hg19) VCF-style: chr2-179400738-AC-A.
Other names: c.95812del, p.Val31938fs (NM_001256850.1); c.73540del, p.Val24514fs (NM_003319.4); c.93031del, p.Val31011fs (NM_133378.4); c.73915del, p.Val24639fs (NM_133432.3); c.74116del, p.Val24706fs (NM_133437.4); short protein forms V24514fs, V24639fs, V24706fs, V31011fs, V31938fs, V33579fs.
Identifiers: ClinVar variation 3759384 (VCV003759384.2).